The following is an entry in ClinVar:

NM_007255.3(B4GALT7):c.820C>T (p.Gln274Ter)

Gene: B4GALT7 (beta-1,4-galactosyltransferase 7; plus strand). Cytogenetic location: 5q35.3.
Variant type: single nucleotide variant.
Coding change: c.820C>T on transcript NM_007255.3 (MANE Select); coding-DNA position 820, C replaced by T.
Protein change: p.Gln274Ter; replaces glutamine 274 with a stop codon.
Molecular consequence: nonsense.
Genome position (GRCh38, 1-based): chr5:177,609,006, C>T. VCF-style: chr5-177609006-C-T. GRCh37 (hg19) VCF-style: chr5-177036007-C-T.
Other names: short protein forms Q274*.
Identifiers: ClinVar variation 4759207 (VCV004759207.1).

ClinVar aggregate classification (germline): Uncertain significance (1 of 4 stars; one submission).

Conditions:
Spondylodysplastic Ehlers-Danlos syndrome. Identifiers: Orphanet 536471, Orphanet 75496, MedGen C5680154, MONDO:0007526.

Submission:

Labcorp Genetics (formerly Invitae), Labcorp
Classification: Uncertain significance for Spondylodysplastic Ehlers-Danlos syndrome. Last evaluated: 2026-01-12. Review status: criteria provided, single submitter. Criteria: Invitae Variant Classification Sherloc (09022015). Collection method: clinical testing. Allele origin: germline.
Comment: This sequence change creates a premature translational stop signal (p.Gln274*) in the B4GALT7 gene. While this is not anticipated to result in nonsense mediated decay, it is expected to disrupt the last 54 amino acid(s) of the B4GALT7 protein. This variant is not present in population databases (gnomAD no frequency). This variant has not been reported in the literature in individuals affected with B4GALT7-related conditions. Experimental studies and prediction algorithms are not available or were not evaluated, and the functional significance of this variant is currently unknown. In summary, the available evidence is currently insufficient to determine the role of this variant in disease. Therefore, it has been classified as a Variant of Uncertain Significance.